The following is an entry in ClinVar:

ClinVar aggregate classification (germline): Uncertain significance (1 of 4 stars; one submission).

Submission:

Labcorp Genetics (formerly Invitae), Labcorp
Classification: Uncertain significance. Last evaluated: 2023-07-12. Review status: criteria provided, single submitter. Criteria: Invitae Variant Classification Sherloc (09022015). Collection method: clinical testing. Allele origin: germline.
Comment: This variant is not present in population databases (gnomAD no frequency). In summary, the available evidence is currently insufficient to determine the role of this variant in disease. Therefore, it has been classified as a Variant of Uncertain Significance. Experimental studies and prediction algorithms are not available or were not evaluated, and the functional significance of this variant is currently unknown. This variant has not been reported in the literature in individuals affected with TAOK2-related conditions. This sequence change creates a premature translational stop signal (p.Val1150Alafs*13) in the TAOK2 gene. While this is not anticipated to result in nonsense mediated decay, it is expected to disrupt the last 86 amino acid(s) of the TAOK2 protein.

NM_016151.4(TAOK2):c.3449_3467del (p.Val1150fs)

Gene: TAOK2 (TAO kinase 2; plus strand). Cytogenetic location: 16p11.2.
Variant type: Deletion.
Coding change: c.3449_3467del on transcript NM_016151.4 (MANE Select); coding-DNA positions 3449 to 3467, 19 bases deleted (TCTGGGTCCTGTGCAAGGG).
Protein change: p.Val1150fs; shifts the reading frame from valine 1150.
Molecular consequence: frameshift variant. On other transcripts: intron variant (1).
Genome position (GRCh38, 1-based): chr16:29,987,721-29,987,739, TCTGGGTCCTGTGCAAGGG deleted; deleting any 19 consecutive bases within chr16:29,987,714-29,987,739 gives the same sequence; the c. name uses the placement nearest the transcript's 3' end. VCF-style (leftmost placement, unchanged base first): chr16-29987713-GGCAAGGGTCTGGGTCCTGT-G. GRCh37 (hg19) VCF-style: chr16-29999034-GGCAAGGGTCTGGGTCCTGT-G.
Other names: c.3110_3128del, p.Val1037fs (NM_001252043.2); c.2232+1217_2232+1235del (NM_004783.4); short protein forms V1150fs, V1037fs.
Identifiers: ClinVar variation 2780708 (VCV002780708.3), dbSNP rs2543673215, ClinGen allele CA2575965233.